The following is an entry in ClinVar:

NM_005120.3(MED12):c.5882G>T (p.Gly1961Val)

Gene: MED12 (mediator complex subunit 12; plus strand). Cytogenetic location: Xq13.1.
Variant type: single nucleotide variant.
Coding change: c.5882G>T on transcript NM_005120.3 (MANE Select); coding-DNA position 5882, G replaced by T.
Protein change: p.Gly1961Val; replaces glycine 1961 with valine.
Molecular consequence: missense variant.
Genome position (GRCh38, 1-based): chrX:71,137,781, G>T. VCF-style: chrX-71137781-G-T. GRCh37 (hg19) VCF-style: chrX-70357631-G-T.
Other names: short protein forms G1961V.
Identifiers: ClinVar variation 2412889 (VCV002412889.2), dbSNP rs2147830756, ClinGen allele CA413539146.

ClinVar aggregate classification (germline): Uncertain significance (1 of 4 stars; one submission).

Submission:

GeneDx
Classification: Uncertain significance. Last evaluated: 2022-07-27. Review status: criteria provided, single submitter. Criteria: GeneDx Variant Classification Process June 2021. Collection method: clinical testing. Allele origin: germline. Affected: yes.
Comment: Not observed at significant frequency in large population cohorts (gnomAD); In silico analysis supports that this missense variant has a deleterious effect on protein structure/function; Has not been previously published as pathogenic or benign to our knowledge